The following is an entry in ClinVar:

NM_004672.5(MAP3K6):c.1215C>T (p.Ala405=)

Gene: MAP3K6 (mitogen-activated protein kinase kinase kinase 6; minus strand). Cytogenetic location: 1p36.11.
Variant type: single nucleotide variant.
Coding change: c.1215C>T on transcript NM_004672.5 (MANE Select); coding-DNA position 1215, C replaced by T.
Protein change: p.Ala405=; no amino-acid change (alanine 405 retained).
Molecular consequence: synonymous variant.
Genome position (GRCh38, 1-based): chr1:27,362,681, G>A on the plus strand (C>T on the coding strand, the complement: MAP3K6 is on the minus strand). VCF-style: chr1-27362681-G-A. GRCh37 (hg19) VCF-style: chr1-27689172-G-A.
Other names: c.1191C>T, p.Ala397= (NM_001297609.2).
Identifiers: ClinVar variation 718726 (VCV000718726.7), dbSNP rs55972073, ClinGen allele CA713849.

ClinVar aggregate classification (germline): Benign/Likely benign. Review status: criteria provided, multiple submitters, no conflicts (2 of 4 stars). 4 submissions from 4 submitters: Benign (2); Likely benign (1). 1 of the submissions does not count toward it. Last evaluated 2024-11-25.

Conditions:
MAP3K6-related disorder. Also called: MAP3K6-related condition.

Allele frequency attached by ClinVar (database versions not stated): ESP Exome Variant Server 0.00469; TOPMed 0.00534; 1000 Genomes Project 0.00819; 1000 Genomes Project 30x 0.00874.

Submissions (4):

Blueprint Genetics
Classification: Likely benign. Last evaluated: 2024-11-25. Review status: criteria provided, single submitter. Criteria: ACMG Guidelines, 2015. Collection method: clinical testing. Allele origin: germline.

Labcorp Genetics (formerly Invitae), Labcorp
Classification: Benign. Last evaluated: 2018-11-06. Review status: criteria provided, single submitter. Criteria: Invitae Variant Classification Sherloc (09022015). Collection method: clinical testing. Allele origin: germline.

Breakthrough Genomics
Classification: Benign. Review status: criteria provided, single submitter. Criteria: ACMG Guidelines, 2015. Collection method: not provided. Allele origin: germline. Inheritance: Unknown mechanism. Affected: yes.

PreventionGenetics, part of Exact Sciences
Classification: Benign for MAP3K6-related condition. Last evaluated: 2019-11-06. Review status: no assertion criteria provided. Collection method: clinical testing. Allele origin: germline. Not counted in ClinVar's aggregate classification.
Comment: This variant is classified as benign based on ACMG/AMP sequence variant interpretation guidelines (Richards et al. 2015 PMID: 25741868, with internal and published modifications).